The following is an entry in ClinVar:

NM_007294.4(BRCA1):c.924C>T (p.Ser308=)

Gene: BRCA1 (BRCA1 DNA repair associated; minus strand). Cytogenetic location: 17q21.31.
Variant type: single nucleotide variant.
Coding change: c.924C>T on transcript NM_007294.4 (MANE Select); coding-DNA position 924, C replaced by T.
Protein change: p.Ser308=; no amino-acid change (serine 308 retained).
Molecular consequence: synonymous variant. On other transcripts: intron variant (137).
Genome position (GRCh38, 1-based): chr17:43,094,607, G>A on the plus strand (C>T on the coding strand, the complement: BRCA1 is on the minus strand). VCF-style: chr17-43094607-G-A. GRCh37 (hg19) VCF-style: chr17-41246624-G-A.
Other names: c.783C>T, p.Ser261= (NM_001407696.1, NM_001407697.1, NM_001407698.1 and 29 more transcripts); c.780C>T, p.Ser260= (NM_001407740.1, NM_001407741.1, NM_001407742.1 and 20 more transcripts); c.711C>T, p.Ser237= (NM_001407853.1, NM_001407894.1, NM_001407895.1 and 9 more transcripts); c.924C>T, p.Ser308= (NM_001407854.1, NM_001407858.1, NM_001407859.1 and 30 more transcripts); c.921C>T, p.Ser307= (NM_001407860.1, NM_001407861.1, NM_001407587.1 and 22 more transcripts); c.723C>T, p.Ser241= (NM_001407862.1); c.801C>T, p.Ser267= (NM_001407863.1, NM_001407919.1, NM_001407937.1 and 19 more transcripts); c.720C>T, p.Ser240= (NM_001407874.1, NM_001407875.1); and 40 more.
Identifiers: ClinVar variation 482944 (VCV000482944.9), dbSNP rs1555592819, ClinGen allele CA500234120.
Genomic context (GRCh38, chr17:43,094,607, plus strand): 5'-ACATGTTTCCTTACTTCCAGCCCATCTGTTATGTTGGCTCCTTGCTAAGCCAGGCTGTTT[G>A]CTTTTATTACAGAATTCAGCCTTTTCTACATTCATTCTGTCTTTAGTGAGTAATAAACTG-3'
Protein context (NP_009225.1, residues 298-318): NVEKAEFCNK[Ser308=]KQPGLARSQH

ClinVar aggregate classification (germline): Conflicting classifications of pathogenicity. Review status: criteria provided, conflicting classifications (1 of 4 stars). 3 submissions from 3 submitters: Uncertain significance (1); Likely benign (2). Last evaluated 2025-12-29.

Conditions:
Hereditary cancer-predisposing syndrome. Also called: Neoplastic Syndromes, Hereditary; Tumor predisposition; Hereditary Cancer Syndrome; Hereditary neoplastic syndrome. Identifiers: Orphanet 140162, MedGen C0027672, MeSH D009386, MONDO:0015356.
Hereditary breast ovarian cancer syndrome. Also called: Hereditary breast and ovarian cancer syndrome; Hereditary breast and ovarian cancer; Hereditary breast and ovarian cancer syndrome (HBOC); Breast and ovarian cancer; Hereditary breast and/or ovarian cancer syndrome; BRCA1- and BRCA2-Associated Hereditary Breast and Ovarian Cancer. Identifiers: Orphanet 145, MedGen C0677776, MeSH D061325, MONDO:0003582. Disease mechanism: loss of function.

Allele frequency attached by ClinVar (database versions not stated): gnomAD exomes below 0.00001.
gnomAD v4.1: 3 of 1,614,092 alleles (0.00019%); highest among the groups gnomAD compares: East Asian, 0.0022%; no homozygotes.

Submissions (3):

Center for Genomic Medicine, Rigshospitalet, Copenhagen University Hospital
Classification: Likely benign. Last evaluated: 2025-12-29. Review status: criteria provided, single submitter. Criteria: ACMG Guidelines, 2015. Collection method: clinical testing. Allele origin: germline.
Comment: Classification criteria: BP1_strong

Labcorp Genetics (formerly Invitae), Labcorp
Classification: Likely benign for Hereditary breast ovarian cancer syndrome. Last evaluated: 2024-12-10. Review status: criteria provided, single submitter. Criteria: Invitae Variant Classification Sherloc (09022015). Collection method: clinical testing. Allele origin: germline.

Ambry Genetics
Classification: Uncertain significance for Hereditary cancer-predisposing syndrome. Last evaluated: 2023-12-07. Review status: criteria provided, single submitter. Criteria: Ambry Variant Classification Scheme 2023. Collection method: clinical testing. Allele origin: germline.
Comment: The c.924C>T variant (also known as p.S308S), located in coding exon 9 of the BRCA1 gene, results from a C to T substitution at nucleotide position 924. This nucleotide substitution does not change the serine at codon 308. This nucleotide position is well conserved in available vertebrate species. In silico splice site analysis predicts that this alteration will not have any significant effect on splicing. Since supporting evidence is limited at this time, the clinical significance of this alteration remains unclear.